The following is an entry in ClinVar:

NM_175053.4(KRT74):c.991G>A (p.Ala331Thr)

Gene: KRT74 (keratin 74; minus strand). Cytogenetic location: 12q13.13.
Variant type: single nucleotide variant.
Coding change: c.991G>A on transcript NM_175053.4 (MANE Select); coding-DNA position 991, G replaced by A.
Protein change: p.Ala331Thr; replaces alanine 331 with threonine.
Molecular consequence: missense variant.
Genome position (GRCh38, 1-based): chr12:52,570,686, C>T on the plus strand (G>A on the coding strand, the complement: KRT74 is on the minus strand). VCF-style: chr12-52570686-C-T. GRCh37 (hg19) VCF-style: chr12-52964470-C-T.
Other names: short protein forms A331T.
Identifiers: ClinVar variation 3713634 (VCV003713634.2).

ClinVar aggregate classification (germline): Uncertain significance (1 of 4 stars; one submission).

Submission:

Labcorp Genetics (formerly Invitae), Labcorp
Classification: Uncertain significance. Last evaluated: 2024-09-29. Review status: criteria provided, single submitter. Criteria: Invitae Variant Classification Sherloc (09022015). Collection method: clinical testing. Allele origin: germline.
Comment: This sequence change replaces alanine, which is neutral and non-polar, with threonine, which is neutral and polar, at codon 331 of the KRT74 protein (p.Ala331Thr). This variant is not present in population databases (gnomAD no frequency). This variant has not been reported in the literature in individuals affected with KRT74-related conditions. Invitae Evidence Modeling of protein sequence and biophysical properties (such as structural, functional, and spatial information, amino acid conservation, physicochemical variation, residue mobility, and thermodynamic stability) indicates that this missense variant is not expected to disrupt KRT74 protein function with a negative predictive value of 80%. In summary, the available evidence is currently insufficient to determine the role of this variant in disease. Therefore, it has been classified as a Variant of Uncertain Significance.